The following is an entry in ClinVar:

NM_194248.3(OTOF):c.4552G>A (p.Ala1518Thr)

Gene: OTOF (otoferlin; minus strand). Cytogenetic location: 2p23.3.
Variant type: single nucleotide variant.
Coding change: c.4552G>A on transcript NM_194248.3 (MANE Select); coding-DNA position 4552, G replaced by A.
Protein change: p.Ala1518Thr; replaces alanine 1518 with threonine.
Molecular consequence: missense variant.
Genome position (GRCh38, 1-based): chr2:26,466,025, C>T on the plus strand (G>A on the coding strand, the complement: OTOF is on the minus strand). VCF-style: chr2-26466025-C-T. GRCh37 (hg19) VCF-style: chr2-26688893-C-T.
Other names: c.4552G>A, p.Ala1518Thr (NM_001287489.2); c.2251G>A, p.Ala751Thr (NM_004802.4, NM_194323.3); c.2482G>A, p.Ala828Thr (NM_194322.3); short protein forms A1518T, A751T, A828T.
Identifiers: ClinVar variation 667295 (VCV000667295.14), dbSNP rs145556189, ClinGen allele CA1563114.

ClinVar aggregate classification (germline): Conflicting classifications of pathogenicity. Review status: criteria provided, conflicting classifications (1 of 4 stars). 4 submissions from 4 submitters: Uncertain significance (3); Benign (1). Last evaluated 2025-10-07.

Conditions:
Inborn genetic diseases. Identifiers: MedGen C0950123, MeSH D030342.

Allele frequency attached by ClinVar (database versions not stated): gnomAD 0.00020 and 0.00018; 1000 Genomes Project 0.00040; TOPMed 0.00019; ESP Exome Variant Server 0.00031; 1000 Genomes Project 30x 0.00031.
gnomAD v4.1: 59 of 1,614,150 alleles (0.0037%); highest among the groups gnomAD compares: African/African-American, 0.067%; no homozygotes.

Submissions (4):

Labcorp Genetics (formerly Invitae), Labcorp
Classification: Benign. Last evaluated: 2025-10-07. Review status: criteria provided, single submitter. Criteria: Invitae Variant Classification Sherloc (09022015). Collection method: clinical testing. Allele origin: germline.

GeneDx
Classification: Uncertain significance. Last evaluated: 2025-09-08. Review status: criteria provided, single submitter. Criteria: GeneDx Variant Classification Process June 2021. Collection method: clinical testing. Allele origin: germline. Affected: yes.
Comment: In silico analysis suggests that this missense variant does not alter protein structure/function; Has not been previously published as pathogenic or benign to our knowledge

Ambry Genetics
Classification: Uncertain significance for Inborn genetic diseases. Last evaluated: 2021-07-21. Review status: criteria provided, single submitter. Criteria: Ambry Variant Classification Scheme 2023. Collection method: clinical testing. Allele origin: germline.

Laboratory for Molecular Medicine, Mass General Brigham Personalized Medicine
Classification: Uncertain significance. Last evaluated: 2018-09-17. Review status: criteria provided, single submitter. Criteria: LMM Criteria. Collection method: clinical testing. Allele origin: germline. Observed: 1 variant allele.
Comment: The p.Ala1518Thr variant in OTOF has not been previously reported in individuals with hearing loss or auditory neuropathy spectrum disorder but has been identif ied in 0.058% (14/24028) African chromosomes by the Genome Aggregation Database (gnomAD). Computational prediction tools and c onservation analysis suggest that the p.Ala1518Thr variant may not impact the pr otein, though this information is not predictive enough to rule out pathogenicit y. In summary, the clinical significance of the p.Ala1518Thr variant is uncertai n. ACMG/AMP Criteria applied: BP4, PM2_Supporting.